The following is an entry in ClinVar:

ClinVar aggregate classification (germline): Benign. Review status: criteria provided, multiple submitters, no conflicts (2 of 4 stars). 2 submissions from 2 submitters: Benign (2). Last evaluated 2026-02-01.

Conditions:
3-hydroxyisobutyryl-CoA hydrolase deficiency. Also called: METHACRYLIC ACID TOXICITY; METHACRYLIC ACIDURIA; Reduced circulating 3-hydroxyisobutyryl-CoA hydrolase activity; Deficiency of 3-hydroxyisobutyryl CoA hydrolase; VALINE METABOLIC DEFECT; HIBCH DEFICIENCY. Identifiers: Orphanet 88639, MedGen C0342738, MONDO:0009603, OMIM 250620, HP:6000215.

Allele frequency attached by ClinVar (database versions not stated): 1000 Genomes Project 0.00399; 1000 Genomes Project 30x 0.00406; ESP Exome Variant Server 0.00408; gnomAD 0.00475 and 0.00485; TOPMed 0.00476; ExAC 0.00482; gnomAD exomes 0.00493 and 0.00528.
gnomAD v4.1: 8,458 of 1,612,072 alleles (0.52%); highest among the groups gnomAD compares: Middle Eastern, 0.76%; 38 homozygotes.

Submissions (2):

Labcorp Genetics (formerly Invitae), Labcorp
Classification: Benign for 3-hydroxyisobutyryl-CoA hydrolase deficiency. Last evaluated: 2026-02-01. Review status: criteria provided, single submitter. Criteria: Invitae Variant Classification Sherloc (09022015). Collection method: clinical testing. Allele origin: germline.

GeneDx
Classification: Benign. Last evaluated: 2018-01-29. Review status: criteria provided, single submitter. Criteria: GeneDx Variant Classification (06012015). Collection method: clinical testing. Allele origin: germline. Affected: yes.
Comment: This variant is considered likely benign or benign based on one or more of the following criteria: it is a conservative change, it occurs at a poorly conserved position in the protein, it is predicted to be benign by multiple in silico algorithms, and/or has population frequency not consistent with disease.

NM_014362.4(HIBCH):c.663+19G>T

Gene: HIBCH (3-hydroxyisobutyryl-CoA hydrolase; minus strand). Cytogenetic location: 2q32.2.
Variant type: single nucleotide variant.
Coding change: c.663+19G>T on transcript NM_014362.4 (MANE Select); 19 bases into the intron after coding-DNA position 663, G replaced by T.
Molecular consequence: intron variant.
Genome position (GRCh38, 1-based): chr2:190,252,143, C>A on the plus strand (G>T on the coding strand, the complement: HIBCH is on the minus strand). VCF-style: chr2-190252143-C-A. GRCh37 (hg19) VCF-style: chr2-191116869-C-A.
Other names: c.663+19G>T (NM_198047.3).
Identifiers: ClinVar variation 379987 (VCV000379987.9), dbSNP rs75352449, ClinGen allele CA2027566.
Genomic context (GRCh38, chr2:190,252,143, plus strand): 5'-AACCACCCATTGTACCTTCCCATGCACTATTTTGTGTTGTTATTCCAACAATACAAAATG[C>A]AAACATCTGAAAAAGTACCTTTTCAGAATCTACAAAGTGTGTAGCAATTCCTGCTCTGTA-3'